The following is an entry in ClinVar:

ClinVar aggregate classification (germline): Conflicting classifications of pathogenicity. Review status: criteria provided, conflicting classifications (1 of 4 stars). 10 submissions from 7 submitters: Uncertain significance (9); Benign (1). Last evaluated 2025-11-24.

Conditions:
Hereditary cancer-predisposing syndrome. Also called: Neoplastic Syndromes, Hereditary; Hereditary neoplastic syndrome; Tumor predisposition; Hereditary Cancer Syndrome. Identifiers: Orphanet 140162, MedGen C0027672, MeSH D009386, MONDO:0015356.
Cardiovascular phenotype. Identifiers: MedGen CN230736.
Neurofibromatosis, familial spinal (FSNF). Identifiers: Orphanet 636, MedGen C1834235, MONDO:0008078, OMIM 162210. Disease mechanism: loss of function.
Juvenile myelomonocytic leukemia (JMML). Also called: LEUKEMIA, JUVENILE MYELOMONOCYTIC, SOMATIC. Identifiers: Orphanet 86834, MedGen C0349639, MONDO:0011908, OMIM 607785, HP:0012209.
Neurofibromatosis-Noonan syndrome (NFNS). Also called: NEUROFIBROMATOSIS WITH NOONAN PHENOTYPE. Identifiers: Orphanet 638, MedGen C2931482, MONDO:0011035, OMIM 601321. Disease mechanism: loss of function.
Café-au-lait macules with pulmonary stenosis (WTSN). Also called: PULMONIC STENOSIS WITH CAFE-AU-LAIT SPOTS. Identifiers: MedGen C0553586, MONDO:0008672, OMIM 193520.
Neurofibromatosis, type 1 (NF1). Also called: VON RECKLINGHAUSEN DISEASE; NEUROFIBROMATOSIS, TYPE I, SOMATIC; Neurofibromatosis, type I; Peripheral type neurofibromatosis. Identifiers: Orphanet 636, MedGen C0027831, MONDO:0018975, OMIM 162200. Disease mechanism: loss of function.

Allele frequency attached by ClinVar (database versions not stated): gnomAD 0.00001; TOPMed 0.00002; gnomAD exomes below 0.00001.
gnomAD v4.1: 9 of 1,613,790 alleles (0.00056%); highest among the groups gnomAD compares: Admixed American, 0.0033%; no homozygotes.

Submissions (10):

Ambry Genetics
Classification: Uncertain significance for Cardiovascular phenotype; Hereditary cancer-predisposing syndrome. Last evaluated: 2025-11-24. Review status: criteria provided, single submitter. Criteria: Ambry Variant Classification Scheme 2023. Collection method: clinical testing. Allele origin: germline.
Comment: The p.M932V variant (also known as c.2794A>G), located in coding exon 21 of the NF1 gene, results from an A to G substitution at nucleotide position 2794. The methionine at codon 932 is replaced by valine, an amino acid with highly similar properties. This alteration was not observed in 7,051 unselected female breast cancer patients and was observed with an allele frequency of 0.00009 in 11,241 female controls of Japanese ancestry (Momozawa Y et al. Nat Commun, 2018 10;9:4083). This amino acid position is highly conserved in available vertebrate species. In addition, the in silico prediction for this alteration is inconclusive. Since supporting evidence is limited at this time, the clinical significance of this alteration remains unclear.

Labcorp Genetics (formerly Invitae), Labcorp
Classification: Benign for Neurofibromatosis, type 1. Last evaluated: 2025-11-14. Review status: criteria provided, single submitter. Criteria: Invitae Variant Classification Sherloc (09022015). Collection method: clinical testing. Allele origin: germline.

GeneDx
Classification: Uncertain significance. Last evaluated: 2024-09-23. Review status: criteria provided, single submitter. Criteria: GeneDx Variant Classification Process June 2021. Collection method: clinical testing. Allele origin: germline. Affected: yes.
Comment: In silico analysis indicates that this missense variant does not alter protein structure/function; Observed in a child with caf-au-lait macules and no other features of Neurofibromatosis type 1 (PMID: 29290338); This variant is associated with the following publications: (PMID: 25486365, 2121369, 29290338, 30287823, 36243179)

Baylor Genetics
Classification: Uncertain significance for Juvenile myelomonocytic leukemia. Last evaluated: 2023-09-29. Review status: criteria provided, single submitter. Criteria: ACMG Guidelines, 2015. Collection method: clinical testing. Allele origin: unknown.

Genome-Nilou Lab
Classification: Uncertain significance for Neurofibromatosis, type 1. Last evaluated: 2022-03-15. Review status: criteria provided, single submitter. Criteria: ACMG Guidelines, 2015. Collection method: clinical testing. Allele origin: germline. Affected: no.

ARUP Laboratories, Molecular Genetics and Genomics, ARUP Laboratories
Classification: Uncertain significance. Last evaluated: 2021-10-11. Review status: criteria provided, single submitter. Criteria: ARUP Molecular Germline Variant Investigation Process 2021. Collection method: clinical testing. Allele origin: germline.
Comment: The NF1 c.2794A>G; p.Met932Val variant (rs886052800) is reported in the literature in an individual in a large breast cancer cohort, but without clear disease association (Momozawa 2018). This variant is also reported in ClinVar (Variation ID: 322572), and is only observed on one allele in the Genome Aggregation Database, indicating it is not a common polymorphism. The methionine at codon 932 is moderately conserved, and computational analyses are uncertain whether this variant is neutral or deleterious (REVEL: 0.214). Additional computational analyses (Alamut v.2.11) predict that this variant may impact splicing by creating a novel cryptic acceptor splice site, but without functional studies the effect on splicing is unknown. Due to limited information, the clinical significance of the p.Met932Val variant is uncertain at this time. References: Momozawa Y et al. Germline pathogenic variants of 11 breast cancer genes in 7,051 Japanese patients and 11,241 controls. Nat Commun. 2018 Oct 4;9(1):4083. PMID: 30287823.

Illumina Laboratory Services, Illumina
Classification: Uncertain significance for Café-au-lait macules with pulmonary stenosis. Last evaluated: 2018-01-13. Review status: criteria provided, single submitter. Criteria: ICSL Variant Classification Criteria 13 December 2019. Collection method: clinical testing. Allele origin: germline.

Illumina Laboratory Services, Illumina
Classification: Uncertain significance for Neurofibromatosis, familial spinal. Last evaluated: 2018-01-13. Review status: criteria provided, single submitter. Criteria: ICSL Variant Classification Criteria 13 December 2019. Collection method: clinical testing. Allele origin: germline.

Illumina Laboratory Services, Illumina
Classification: Uncertain significance for Neurofibromatosis-Noonan syndrome. Last evaluated: 2018-01-13. Review status: criteria provided, single submitter. Criteria: ICSL Variant Classification Criteria 13 December 2019. Collection method: clinical testing. Allele origin: germline.

Illumina Laboratory Services, Illumina
Classification: Uncertain significance for Neurofibromatosis, type 1. Last evaluated: 2018-01-13. Review status: criteria provided, single submitter. Criteria: ICSL Variant Classification Criteria 13 December 2019. Collection method: clinical testing. Allele origin: germline.

Literature cited by the submitters: PubMed 30287823 (cited by Ambry Genetics).

NM_001042492.3(NF1):c.2794A>G (p.Met932Val)

Gene: NF1 (neurofibromin 1; plus strand). Cytogenetic location: 17q11.2.
Variant type: single nucleotide variant.
Coding change: c.2794A>G on transcript NM_001042492.3 (MANE Select); coding-DNA position 2794, A replaced by G.
Protein change: p.Met932Val; replaces methionine 932 with valine.
Molecular consequence: missense variant.
Genome position (GRCh38, 1-based): chr17:31,229,409, A>G. VCF-style: chr17-31229409-A-G. GRCh37 (hg19) VCF-style: chr17-29556427-A-G.
Other names: c.2794A>G, p.Met932Val (NM_000267.4); short protein forms M932V.
Identifiers: ClinVar variation 322572 (VCV000322572.25), dbSNP rs886052800, ClinGen allele CA10648994.
Genomic context (GRCh38, chr17:31,229,409, plus strand): 5'-CAAATACGGACCAATGTTAAGGATCTGGTGGGTCTAGAATTGAGTCCTGCTCTGTATCCA[A>G]TGCTATTTAACAAATTGAAGAATACCATCAGCAAGTTTTTTGACTCCCAAGGACAGGTAA-3'
Protein context (NP_001035957.1, residues 922-942): GLELSPALYP[Met932Val]LFNKLKNTIS